The following is an entry in ClinVar:

NM_005055.5(RAPSN):c.456_457inv (p.Ala153Thr)

Gene: RAPSN (receptor associated protein of the synapse; minus strand). Cytogenetic location: 11p11.2.
Variant type: Inversion.
Coding change: c.456_457inv on transcript NM_005055.5 (MANE Select).
Protein change: p.Ala153Thr; replaces alanine 153 with threonine.
Molecular consequence: missense variant.
Genome position: GRCh38 VCF-style: chr11-47447886-CA-TG. GRCh37 (hg19) VCF-style: chr11-47469438-CA-TG.
Other names: c.456_457inv, p.Ala153Thr (NM_032645.5); short protein forms A153T.
Identifiers: ClinVar variation 958558 (VCV000958558.3), ClinGen allele CA1139661954.

ClinVar aggregate classification (germline): Uncertain significance (1 of 4 stars; one submission).

Conditions:
Congenital myasthenic syndrome 11. Also called: MYASTHENIC SYNDROME, CONGENITAL, Ie; Myasthenic syndrome, congenital, 11, associated with acetylcholine receptor deficiency. Identifiers: Orphanet 590, MedGen C4225367, MONDO:0014588, OMIM 616326.
Fetal akinesia deformation sequence 1 (FADS1). Also called: Fetal akinesia sequence; Pena-Shokeir syndrome type I. Identifiers: Orphanet 994, MedGen C1276035, MONDO:0100101, OMIM 208150, HP:0001989.

Submission:

Labcorp Genetics (formerly Invitae), Labcorp
Classification: Uncertain significance for Congenital myasthenic syndrome 11; Fetal akinesia deformation sequence 1. Last evaluated: 2022-05-13. Review status: criteria provided, single submitter. Criteria: Invitae Variant Classification Sherloc (09022015). Collection method: clinical testing. Allele origin: germline.
Comment: This sequence change replaces alanine, which is neutral and non-polar, with threonine, which is neutral and polar, at codon 153 of the RAPSN protein (p.Ala153Thr). Information on the frequency of this variant in the gnomAD database is not available, as this variant may be reported differently in the database. This variant has not been reported in the literature in individuals affected with RAPSN-related conditions. ClinVar contains an entry for this variant (Variation ID: 958558). Experimental studies and prediction algorithms are not available or were not evaluated, and the functional significance of this variant is currently unknown. In summary, the available evidence is currently insufficient to determine the role of this variant in disease. Therefore, it has been classified as a Variant of Uncertain Significance.